The following is an entry in ClinVar:

ClinVar aggregate classification (germline): Benign/Likely benign. Review status: criteria provided, multiple submitters, no conflicts (2 of 4 stars). 12 submissions from 12 submitters: Benign (3); Likely benign (8). 1 of the submissions does not count toward it. Last evaluated 2026-08-01.

Conditions:
POLG-related disorder. Also called: POLG-related condition; POLG-Related Disorders; POLG-Related Spectrum Disorders. Identifiers: MedGen C4763519.
Inborn genetic diseases. Identifiers: MedGen C0950123, MeSH D030342.
Progressive sclerosing poliodystrophy (MTDPS4A). Also called: Alpers-Huttenlocher Syndrome (AHS); NEURONAL DEGENERATION OF CHILDHOOD WITH LIVER DISEASE, PROGRESSIVE; ALPERS DIFFUSE DEGENERATION OF CEREBRAL GRAY MATTER WITH HEPATIC CIRRHOSIS; Alpers-Huttenlocher Syndrome; ALPERS PROGRESSIVE INFANTILE POLIODYSTROPHY; Alpers Syndrome. Identifiers: Orphanet 726, MedGen C0205710, MONDO:0008758, OMIM 203700.

Allele frequency attached by ClinVar (database versions not stated): gnomAD exomes 0.00030; ExAC 0.00067; gnomAD 0.00286 and 0.00316; TOPMed 0.00354; 1000 Genomes Project 0.00459.
gnomAD v4.1: 883 of 1,599,410 alleles (0.055%); highest among the groups gnomAD compares: African/African-American, 0.99%; 6 homozygotes.

Submissions (12):

CeGaT Center for Human Genetics Tuebingen
Classification: Benign. Last evaluated: 2026-08-01. Review status: criteria provided, single submitter. Criteria: CeGaT Center For Human Genetics Tuebingen Variant Classification Criteria Version 2. Collection method: clinical testing. Allele origin: germline. Affected: yes. Observed: 2 variant alleles.
Comment: POLG: BS1, BS2

Labcorp Genetics (formerly Invitae), Labcorp
Classification: Likely benign for Progressive sclerosing poliodystrophy. Last evaluated: 2026-02-04. Review status: criteria provided, single submitter. Criteria: Invitae Variant Classification Sherloc (09022015). Collection method: clinical testing. Allele origin: germline.

Athena Diagnostics
Classification: Benign. Last evaluated: 2025-03-31. Review status: criteria provided, single submitter. Criteria: Athena Diagnostics Criteria. Collection method: clinical testing. Allele origin: unknown.
Comment: The frequency of this variant in the general population is higher than would generally be expected for pathogenic variants in this gene. Computational tools predict this amino acid change may be benign. This variant has been seen where an alternate explanation for disease was also identified.

Blueprint Genetics
Classification: Likely benign. Last evaluated: 2024-10-22. Review status: criteria provided, single submitter. Criteria: ACMG Guidelines, 2015. Collection method: clinical testing. Allele origin: germline.

Mayo Clinic Laboratories, Mayo Clinic
Classification: Benign. Last evaluated: 2024-08-30. Review status: criteria provided, single submitter. Criteria: ACMG Guidelines, 2015. Collection method: clinical testing. Allele origin: germline. Observed: 17 variant alleles.
Comment: BS1, BS2, BP4

GeneDx
Classification: Likely benign. Last evaluated: 2020-12-04. Review status: criteria provided, single submitter. Criteria: GeneDx Variant Classification Process June 2021. Collection method: clinical testing. Allele origin: germline. Affected: yes.
Comment: This variant is associated with the following publications: (PMID: 19578034, 21880868)

Ambry Genetics
Classification: Likely benign for Inborn genetic diseases. Last evaluated: 2018-12-19. Review status: criteria provided, single submitter. Criteria: Ambry Variant Classification Scheme 2023. Collection method: clinical testing. Allele origin: germline.

Wong Mito Lab, Molecular and Human Genetics, Baylor College of Medicine
Classification: Likely benign for Progressive sclerosing poliodystrophy. Last evaluated: 2018-10-01. Review status: criteria provided, single submitter. Criteria: ACMG Guidelines, 2015. Collection method: clinical testing. Allele origin: germline.
Comment: The NM_002693.2:c.134A>G (NP_002684.1:p.Gln45Arg) [GRCH38: NC_000015.10:g.89333621T>C] variant in POLG gene is interpretated to be a Likely Benign based on ACMG guidelines (PMID: 25741868). This variant has been reported in PMID:19578034 . This variant meets the following evidence codes reported in the ACMG-guideline. BS1:The minor allele frequency of this allele is high for Mitochondrial DNA depletion syndrome 4A (Alpers type). BP3:This variant results in inframe indel in repeats without known function. BP4:Computational evidence/predictors indicate no impact on the POLG structure, function, or protein-protein interaction. Based on the evidence criteria codes applied, the variant is suggested to be Likely Benign.

Genetic Services Laboratory, University of Chicago
Classification: Likely benign. Last evaluated: 2016-12-27. Review status: criteria provided, single submitter. Criteria: ACMG Guidelines, 2015. Collection method: clinical testing. Allele origin: germline. Affected: no.

Eurofins Ntd Llc (ga)
Classification: Likely benign. Last evaluated: 2015-05-27. Review status: criteria provided, single submitter. Criteria: EGL Classification Definitions 2015. Collection method: clinical testing. Allele origin: germline. Observed: 1 variant allele.

Breakthrough Genomics
Classification: Likely benign. Review status: criteria provided, single submitter. Criteria: ACMG Guidelines, 2015. Collection method: not provided. Allele origin: germline. Inheritance: Autosomal recessive inheritance. Affected: yes.

PreventionGenetics, part of Exact Sciences
Classification: Benign for POLG-related condition. Last evaluated: 2022-09-02. Review status: no assertion criteria provided. Collection method: clinical testing. Allele origin: germline. Not counted in ClinVar's aggregate classification.
Comment: This variant is classified as benign based on ACMG/AMP sequence variant interpretation guidelines (Richards et al. 2015 PMID: 25741868, with internal and published modifications).

Literature cited by the submitters: PubMed 19578034 (cited by 3 submitters); PubMed 21880868 (cited by Athena Diagnostics and Ambry Genetics).

NM_002693.3(POLG):c.134A>G (p.Gln45Arg)

Genes: POLG (DNA polymerase gamma, catalytic subunit; minus strand), POLGARF (POLG alternative reading frame; minus strand). Cytogenetic location: 15q26.1.
Variant type: single nucleotide variant.
Coding change: c.134A>G on transcript NM_002693.3 (MANE Select); coding-DNA position 134, A replaced by G.
Protein change: p.Gln45Arg; replaces glutamine 45 with arginine.
Molecular consequence: missense variant.
Genome position (GRCh38, 1-based): chr15:89,333,621, T>C on the plus strand (A>G on the coding strand, the complement: POLG is on the minus strand). VCF-style: chr15-89333621-T-C. GRCh37 (hg19) VCF-style: chr15-89876852-T-C.
Other names: p.Q45R:CAG>CGG; c.134A>G, p.Gln45Arg (NM_001126131.2); short protein forms Q45R.
Identifiers: ClinVar variation 195179 (VCV000195179.35), dbSNP rs201016638, ClinGen allele CA302810.